The following is an entry in ClinVar:

NM_001170629.2(CHD8):c.2885A>T (p.Asp962Val)

Gene: CHD8 (chromodomain helicase DNA binding protein 8; minus strand). Cytogenetic location: 14q11.2.
Variant type: single nucleotide variant.
Coding change: c.2885A>T on transcript NM_001170629.2 (MANE Select); coding-DNA position 2885, A replaced by T.
Protein change: p.Asp962Val; replaces aspartic acid 962 with valine.
Molecular consequence: missense variant.
Genome position (GRCh38, 1-based): chr14:21,406,878, T>A on the plus strand (A>T on the coding strand, the complement: CHD8 is on the minus strand). VCF-style: chr14-21406878-T-A. GRCh37 (hg19) VCF-style: chr14-21875037-T-A.
Other names: c.2048A>T, p.Asp683Val (NM_020920.4); short protein forms D683V, D962V.
Identifiers: ClinVar variation 1312977 (VCV001312977.3), dbSNP rs2139478403, ClinGen allele CA388873846.
Genomic context (GRCh38, chr14:21,406,878, plus strand): 5'-TCCAGGTGTTTCTGCTCACAAGTCAGTGTGGAACTCACCAGGTCCATGTGCTTGAGACTA[T>A]CAAGCAGCTTGCAATTACGGTTTTTCAGTCGATGGGCTTCATCAATGATAACACAACGCC-3'
Protein context (NP_001164100.1, residues 952-972): RLKNRNCKLL[Asp962Val]SLKHMDLEHK

ClinVar aggregate classification (germline): Uncertain significance (1 of 4 stars; one submission).

Submission:

GeneDx
Classification: Uncertain significance. Last evaluated: 2024-05-06. Review status: criteria provided, single submitter. Criteria: GeneDx Variant Classification Process June 2021. Collection method: clinical testing. Allele origin: germline. Affected: yes.
Comment: Not observed at significant frequency in large population cohorts (gnomAD); In silico analysis supports that this missense variant has a deleterious effect on protein structure/function; Has not been previously published as pathogenic or benign to our knowledge